The following is an entry in ClinVar:

NM_000093.5(COL5A1):c.655-1G>A

Gene: COL5A1 (collagen type V alpha 1 chain; plus strand). Cytogenetic location: 9q34.3.
Variant type: single nucleotide variant.
Coding change: c.655-1G>A on transcript NM_000093.5 (MANE Select); the canonical splice acceptor site of the intron before coding-DNA position 655, G replaced by A.
Molecular consequence: splice acceptor variant.
Genome position (GRCh38, 1-based): chr9:134,727,265, G>A. VCF-style: chr9-134727265-G-A. GRCh37 (hg19) VCF-style: chr9-137619111-G-A.
Other names: c.655-1G>A (NM_001278074.1).
Identifiers: ClinVar variation 1709142 (VCV001709142.2), dbSNP rs1554787526, ClinGen allele CA375446175.

ClinVar aggregate classification (germline): Likely pathogenic (1 of 4 stars; one submission).

Conditions:
Ehlers-Danlos syndrome, classic type, 1 (EDSCL1). Also called: EDS I; Ehlers-Danlos syndrome, type 1; EHLERS-DANLOS SYNDROME, GRAVIS TYPE; EHLERS-DANLOS SYNDROME, SEVERE CLASSIC TYPE; Ehlers-Danlos Syndrome, Classic Type, COL5A1-Related. Identifiers: MedGen C0268335, MONDO:0019567, OMIM 130000.

Submission:

MGZ Medical Genetics Center
Classification: Likely pathogenic for Ehlers-Danlos syndrome, classic type, 1. Last evaluated: 2022-01-21. Review status: criteria provided, single submitter. Criteria: ACMG Guidelines, 2015. Collection method: clinical testing. Allele origin: germline. Affected: yes. Observed: 1 variant allele.
Comment: ACMG criteria applied: PVS1, PM2_SUP